The following is an entry in ClinVar:

ClinVar aggregate classification (germline): Uncertain significance (1 of 4 stars; one submission).

Allele frequency attached by ClinVar (database versions not stated): gnomAD 0.00001; gnomAD exomes 0.00001; ExAC 0.00002; TOPMed 0.00002; 1000 Genomes Project 0.00020; 1000 Genomes Project 30x 0.00031.
gnomAD v4.1: 9 of 1,613,730 alleles (0.00056%); highest among the groups gnomAD compares: East Asian, 0.011%; no homozygotes.

Submission:

CeGaT Center for Human Genetics Tuebingen
Classification: Uncertain significance. Last evaluated: 2023-08-01. Review status: criteria provided, single submitter. Criteria: CeGaT Center For Human Genetics Tuebingen Variant Classification Criteria Version 2. Collection method: clinical testing. Allele origin: germline. Affected: yes. Observed: 1 variant allele.
Comment: DNAH9: PM2, PM3, BP4

NM_001372.4(DNAH9):c.11570T>C (p.Met3857Thr)

Gene: DNAH9 (dynein axonemal heavy chain 9; plus strand). Cytogenetic location: 17p12.
Variant type: single nucleotide variant.
Coding change: c.11570T>C on transcript NM_001372.4 (MANE Select); coding-DNA position 11570, T replaced by C.
Protein change: p.Met3857Thr; replaces methionine 3857 with threonine.
Molecular consequence: missense variant.
Genome position (GRCh38, 1-based): chr17:11,902,882, T>C. VCF-style: chr17-11902882-T-C. GRCh37 (hg19) VCF-style: chr17-11806199-T-C.
Other names: c.506T>C, p.Met169Thr (NM_004662.2); short protein forms M169T, M3857T.
Identifiers: ClinVar variation 2647491 (VCV002647491.24), dbSNP rs542453287, ClinGen allele CA8397868.